The following is an entry in ClinVar:

NM_015340.4(LARS2):c.219A>G (p.Lys73=)

Gene: LARS2 (leucyl-tRNA synthetase 2, mitochondrial; plus strand). Cytogenetic location: 3p21.31.
Variant type: single nucleotide variant.
Coding change: c.219A>G on transcript NM_015340.4 (MANE Select); coding-DNA position 219, A replaced by G.
Protein change: p.Lys73=; no amino-acid change (lysine 73 retained).
Molecular consequence: synonymous variant.
Genome position (GRCh38, 1-based): chr3:45,394,672, A>G. VCF-style: chr3-45394672-A-G. GRCh37 (hg19) VCF-style: chr3-45436164-A-G.
Other names: c.219A>G, p.Lys73= (NM_001368263.1).
Identifiers: ClinVar variation 385413 (VCV000385413.4), dbSNP rs754475523, ClinGen allele CA2349214.
Genomic context (GRCh38, chr3:45,394,672, plus strand): 5'-GCAGACAAGAAAGGATGTTGAGAAATGGTGGCATCAACGAATAAAAGAACAGGCCTCCAA[A>G]ATTTCAGAAGCTGATGTGAGTATTCTGAGAGATTCTAAGAGGGTAGAGAAGAGGGGTTGA-3'
Protein context (NP_056155.1, residues 63-83): WHQRIKEQAS[Lys73=]ISEADKSKPK

ClinVar aggregate classification (germline): Likely benign. Review status: criteria provided, multiple submitters, no conflicts (2 of 4 stars). 2 submissions from 2 submitters: Likely benign (2). Last evaluated 2025-03-18.

Allele frequency attached by ClinVar (database versions not stated): gnomAD 0.00001; ExAC 0.00002; gnomAD exomes 0.00002; TOPMed 0.00002.
gnomAD v4.1: 12 of 1,612,126 alleles (0.00074%); highest among the groups gnomAD compares: Admixed American, 0.012%; no homozygotes.

Submissions (2):

Labcorp Genetics (formerly Invitae), Labcorp
Classification: Likely benign. Last evaluated: 2025-03-18. Review status: criteria provided, single submitter. Criteria: Invitae Variant Classification Sherloc (09022015). Collection method: clinical testing. Allele origin: germline.

GeneDx
Classification: Likely benign. Last evaluated: 2016-05-05. Review status: criteria provided, single submitter. Criteria: GeneDx Variant Classification (06012015). Collection method: clinical testing. Allele origin: germline. Affected: yes.
Comment: This variant is considered likely benign or benign based on one or more of the following criteria: it is a conservative change, it occurs at a poorly conserved position in the protein, it is predicted to be benign by multiple in silico algorithms, and/or has population frequency not consistent with disease.